The following is an entry in ClinVar:

ClinVar aggregate classification (germline): Uncertain significance (1 of 4 stars; one submission).

Allele frequency attached by ClinVar (database versions not stated): gnomAD exomes below 0.00001.
gnomAD v4.1: 2 of 1,614,024 alleles (0.00012%); highest among the groups gnomAD compares: Non-Finnish European, 0.00017%; no homozygotes.

Submission:

Labcorp Genetics (formerly Invitae), Labcorp
Classification: Uncertain significance. Last evaluated: 2022-02-04. Review status: criteria provided, single submitter. Criteria: Invitae Variant Classification Sherloc (09022015). Collection method: clinical testing. Allele origin: germline.
Comment: In summary, the available evidence is currently insufficient to determine the role of this variant in disease. Therefore, it has been classified as a Variant of Uncertain Significance. Algorithms developed to predict the effect of missense changes on protein structure and function are either unavailable or do not agree on the potential impact of this missense change (SIFT: "Deleterious"; PolyPhen-2: "Not Available"; Align-GVGD: "Class C65"). ClinVar contains an entry for this variant (Variation ID: 1038146). This variant has not been reported in the literature in individuals affected with CDH23-related conditions. This variant is not present in population databases (gnomAD no frequency). This sequence change replaces serine, which is neutral and polar, with arginine, which is basic and polar, at codon 1278 of the CDH23 protein (p.Ser1278Arg).

NM_022124.6(CDH23):c.3832A>C (p.Ser1278Arg)

Genes: C10orf105 (chromosome 10 open reading frame 105; minus strand), CDH23 (cadherin related 23; plus strand). Cytogenetic location: 10q22.1.
Variant type: single nucleotide variant.
Coding change: c.3832A>C on transcript NM_022124.6 (MANE Select); coding-DNA position 3832, A replaced by C.
Protein change: p.Ser1278Arg; replaces serine 1278 with arginine.
Molecular consequence: missense variant. On other transcripts: intron variant (1).
Genome position (GRCh38, 1-based): chr10:71,732,103, A>C. VCF-style: chr10-71732103-A-C. GRCh37 (hg19) VCF-style: chr10-73491860-A-C.
Other names: c.3832A>C, p.Ser1278Arg (NM_001171930.2); c.-6+5625T>G (NM_001168390.2); short protein forms S1278R.
Identifiers: ClinVar variation 1038146 (VCV001038146.9), dbSNP rs1839409953, ClinGen allele CA377156238.